The following is an entry in ClinVar:

ClinVar aggregate classification (germline): Likely benign. Review status: criteria provided, multiple submitters, no conflicts (2 of 4 stars). 2 submissions from 2 submitters: Likely benign (2). Last evaluated 2024-06-18.

Conditions:
Familial cancer of breast. Also called: Hereditary breast cancer; hereditary breast carcinoma; BREAST CANCER, FAMILIAL. Identifiers: Orphanet 227535, MedGen C0346153, MONDO:0016419, OMIM 114480. Disease mechanism: loss of function.
Ataxia-telangiectasia syndrome (AT). Also called: Ataxia telangiectasia (A-T); ATAXIA-TELANGIECTASIA, COMPLEMENTATION GROUP A; ATAXIA-TELANGIECTASIA, FRESNO VARIANT; Ataxia-telangiectasia; Ataxia-telangiectasia, complementation group E; LOUIS-BAR SYNDROME. Identifiers: Orphanet 100, MedGen C0004135, MONDO:0008840, OMIM 208900.

Allele frequency attached by ClinVar (database versions not stated): gnomAD exomes 0.00001.
gnomAD v4.1: 11 of 1,611,116 alleles (0.00068%); highest among the groups gnomAD compares: Non-Finnish European, 0.00093%; no homozygotes.

Submissions (2):

Myriad Genetics, Inc.
Classification: Likely benign for Familial cancer of breast. Last evaluated: 2024-06-18. Review status: criteria provided, single submitter. Criteria: Myriad Autosomal Dominant, Autosomal Recessive and X-Linked Classification Criteria (2023). Collection method: clinical testing. Allele origin: unknown.
Comment: This variant is considered likely benign. This variant is intronic and is not expected to impact mRNA splicing.

Labcorp Genetics (formerly Invitae), Labcorp
Classification: Likely benign for Ataxia-telangiectasia syndrome. Last evaluated: 2023-10-05. Review status: criteria provided, single submitter. Criteria: Invitae Variant Classification Sherloc (09022015). Collection method: clinical testing. Allele origin: germline.

NM_000051.4(ATM):c.8011-7T>C

Genes: ATM (ATM serine/threonine kinase; plus strand), C11orf65 (chromosome 11 open reading frame 65; minus strand). Cytogenetic location: 11q22.3.
Variant type: single nucleotide variant.
Coding change: c.8011-7T>C on transcript NM_000051.4 (MANE Select); 7 bases into the intron before coding-DNA position 8011, T replaced by C.
Molecular consequence: intron variant.
Genome position (GRCh38, 1-based): chr11:108,334,962, T>C. VCF-style: chr11-108334962-T-C. GRCh37 (hg19) VCF-style: chr11-108205689-T-C.
Other names: c.8011-7T>C (NM_001351834.2); c.641-25891A>G (NM_001330368.2); c.*38+258A>G (NM_001351110.2).
Identifiers: ClinVar variation 1130242 (VCV001130242.10), dbSNP rs2136651700, ClinGen allele CA2499220713.
Genomic context (GRCh38, chr11:108,334,962, plus strand): 5'-ATGTATTTTTCTTTAAGTGCAAATAGTGTATCTGACCTATTATCAATCATGTTTATACTT[T>C]TATTAGGTGGACCACACAGGAGAATATGGAAATCTGGTGACTATACAGTCATTTAAAGCA-3'